The following is an entry in ClinVar:

NM_001244008.2(KIF1A):c.3554C>T (p.Pro1185Leu)

Gene: KIF1A (kinesin family member 1A; minus strand). Cytogenetic location: 2q37.3.
Variant type: single nucleotide variant.
Coding change: c.3554C>T on transcript NM_001244008.2 (MANE Select); coding-DNA position 3554, C replaced by T.
Protein change: p.Pro1185Leu; replaces proline 1185 with leucine.
Molecular consequence: missense variant.
Genome position (GRCh38, 1-based): chr2:240,743,972, G>A on the plus strand (C>T on the coding strand, the complement: KIF1A is on the minus strand). VCF-style: chr2-240743972-G-A. GRCh37 (hg19) VCF-style: chr2-241683389-G-A.
Other names: c.3251C>T (NM_004321.6); c.3278C>T, p.Pro1093Leu (NM_001320705.2, NM_001330289.2, NM_001379638.1); c.3353C>T, p.Pro1118Leu (NM_001330290.2, NM_001379634.1, NM_001379635.1 and 1 more transcripts); c.3629C>T, p.Pro1210Leu (NM_001379631.1); c.3503C>T, p.Pro1168Leu (NM_001379632.1); c.3527C>T, p.Pro1176Leu (NM_001379633.1, NM_001379642.1, NM_001379645.1); c.3251C>T, p.Pro1084Leu (NM_001379636.1, NM_001379639.1, NM_001379641.1 and 5 more transcripts); c.3326C>T, p.Pro1109Leu (NM_001379637.1, NM_001379648.1); and 1 more; short protein forms P1084L, P1118L, P1185L, P1093L, P1176L, P1168L, P1210L, P1083L.
Identifiers: ClinVar variation 1441415 (VCV001441415.10), dbSNP rs1316844536, ClinGen allele CA351316707.

ClinVar aggregate classification (germline): Conflicting classifications of pathogenicity. Review status: criteria provided, conflicting classifications (1 of 4 stars). 4 submissions from 4 submitters: Uncertain significance (3); Likely benign (1). Last evaluated 2026-02-02.

Conditions:
KIF1A-related disorder. Also called: KIF1A-related disorders; KIF1A-related condition.
Inborn genetic diseases. Identifiers: MedGen C0950123, MeSH D030342.
Hereditary spastic paraplegia 30. Identifiers: Orphanet 101010, MedGen C5235139, MONDO:0012476.
Neuropathy, hereditary sensory, type 2C. Also called: KIF1A-Related HSAN2 (HSAN2C); Hereditary sensory and autonomic neuropathy type IIC. Identifiers: Orphanet 970, MedGen C3280168, MONDO:0013634, OMIM 614213.
Intellectual disability, autosomal dominant 9 (NESCAVS). Also called: KIF1A-Related Neurodevelopmental Disorder; NESCAV SYNDROME. Identifiers: Orphanet 662367, MedGen C5393830, MONDO:0013656, OMIM 614255.

Allele frequency attached by ClinVar (database versions not stated): gnomAD exomes below 0.00001 and 0.00003; TOPMed below 0.00001; gnomAD 0.00001.
gnomAD v4.1: 38 of 1,613,390 alleles (0.0024%); highest among the groups gnomAD compares: South Asian, 0.0033%; no homozygotes.

Submissions (4):

Labcorp Genetics (formerly Invitae), Labcorp
Classification: Likely benign for Hereditary spastic paraplegia 30; Neuropathy, hereditary sensory, type 2C; Intellectual disability, autosomal dominant 9. Last evaluated: 2026-02-02. Review status: criteria provided, single submitter. Criteria: Invitae Variant Classification Sherloc (09022015). Collection method: clinical testing. Allele origin: germline.

GeneDx
Classification: Uncertain significance. Last evaluated: 2025-02-11. Review status: criteria provided, single submitter. Criteria: GeneDx Variant Classification Process June 2021. Collection method: clinical testing. Allele origin: germline. Affected: yes.
Comment: Not observed at significant frequency in large population cohorts (gnomAD); In silico analysis supports that this missense variant has a deleterious effect on protein structure/function; Has not been previously published as pathogenic or benign to our knowledge

PreventionGenetics, part of Exact Sciences
Classification: Uncertain significance for KIF1A-related condition. Last evaluated: 2022-09-09. Review status: criteria provided, single submitter. Criteria: ACMG Guidelines, 2015. Collection method: clinical testing. Allele origin: germline.
Comment: The KIF1A c.3554C>T variant is predicted to result in the amino acid substitution p.Pro1185Leu. To our knowledge, this variant has not been reported in the literature. This variant is reported in 0.0033% of alleles in individuals of South Asian descent in gnomAD. At this time, the clinical significance of this variant is uncertain due to the absence of conclusive functional and genetic evidence.

Ambry Genetics
Classification: Uncertain significance for Inborn genetic diseases. Last evaluated: 2022-01-26. Review status: criteria provided, single submitter. Criteria: Ambry Variant Classification Scheme 2023. Collection method: clinical testing. Allele origin: germline.
Comment: The p.P1185L variant (also known as c.3554C>T), located in coding exon 32 of the KIF1A gene, results from a C to T substitution at nucleotide position 3554. The proline at codon 1185 is replaced by leucine, an amino acid with similar properties. This amino acid position is highly conserved in available vertebrate species. In addition, the in silico prediction for this alteration is inconclusive. Since supporting evidence is limited at this time, the clinical significance of this alteration remains unclear.